The following is an entry in ClinVar:

NM_001330.5(CTF1):c.573C>A (p.Asp191Glu)

Genes: CTF1 (cardiotrophin 1; plus strand), LOC130058878 (ATAC-STARR-seq lymphoblastoid silent region 7400; plus strand). Cytogenetic location: 16p11.2.
Variant type: single nucleotide variant.
Coding change: c.573C>A on transcript NM_001330.5 (MANE Select); coding-DNA position 573, C replaced by A.
Protein change: p.Asp191Glu; replaces aspartic acid 191 with glutamic acid.
Molecular consequence: missense variant. On other transcripts: non-coding transcript variant (1).
Genome position (GRCh38, 1-based): chr16:30,902,506, C>A. VCF-style: chr16-30902506-C-A. GRCh37 (hg19) VCF-style: chr16-30913827-C-A.
Other names: c.570C>A, p.Asp190Glu (NM_001142544.3); short protein forms D190E, D191E.
Identifiers: ClinVar variation 2483598 (VCV002483598.3), dbSNP rs549844379, ClinGen allele CA395619794.

ClinVar aggregate classification (germline): Uncertain significance. Review status: criteria provided, multiple submitters, no conflicts (2 of 4 stars). 2 submissions from 2 submitters: Uncertain significance (2). Last evaluated 2025-02-19.

Allele frequency attached by ClinVar (database versions not stated): gnomAD exomes below 0.00001.
gnomAD v4.1: 5 of 1,492,784 alleles (0.00033%); highest among the groups gnomAD compares: South Asian, 0.0037%; no homozygotes.

Submissions (2):

Labcorp Genetics (formerly Invitae), Labcorp
Classification: Uncertain significance. Last evaluated: 2025-02-19. Review status: criteria provided, single submitter. Criteria: Invitae Variant Classification Sherloc (09022015). Collection method: clinical testing. Allele origin: germline.
Comment: This sequence change replaces aspartic acid, which is acidic and polar, with glutamic acid, which is acidic and polar, at codon 191 of the CTF1 protein (p.Asp191Glu). The frequency data for this variant in the population databases is considered unreliable, as metrics indicate poor data quality at this position in the gnomAD database. This variant has not been reported in the literature in individuals affected with CTF1-related conditions. ClinVar contains an entry for this variant (Variation ID: 2483598). An algorithm developed to predict the effect of missense changes on protein structure and function (PolyPhen-2) suggests that this variant is likely to be disruptive. In summary, the available evidence is currently insufficient to determine the role of this variant in disease. Therefore, it has been classified as a Variant of Uncertain Significance.

Ambry Genetics
Classification: Uncertain significance. Last evaluated: 2023-02-14. Review status: criteria provided, single submitter. Criteria: Ambry Variant Classification Scheme 2023. Collection method: clinical testing. Allele origin: germline.